The following is an entry in ClinVar:

ClinVar aggregate classification (germline): Uncertain significance (1 of 4 stars; one submission).

Conditions:
Spastic paraplegia. Identifiers: MedGen C0037772, HP:0001258.

Submission:

Labcorp Genetics (formerly Invitae), Labcorp
Classification: Uncertain significance for Spastic paraplegia. Last evaluated: 2022-05-31. Review status: criteria provided, single submitter. Criteria: Invitae Variant Classification Sherloc (09022015). Collection method: clinical testing. Allele origin: germline.
Comment: This sequence change replaces isoleucine, which is neutral and non-polar, with phenylalanine, which is neutral and non-polar, at codon 302 of the CYP2U1 protein (p.Ile302Phe). This variant is not present in population databases (gnomAD no frequency). This variant has not been reported in the literature in individuals affected with CYP2U1-related conditions. Algorithms developed to predict the effect of missense changes on protein structure and function are either unavailable or do not agree on the potential impact of this missense change (SIFT: "Deleterious"; PolyPhen-2: "Probably Damaging"; Align-GVGD: "Class C15"). In summary, the available evidence is currently insufficient to determine the role of this variant in disease. Therefore, it has been classified as a Variant of Uncertain Significance.

NM_183075.3(CYP2U1):c.904A>T (p.Ile302Phe)

Gene: CYP2U1 (cytochrome P450 family 2 subfamily U member 1; plus strand). Cytogenetic location: 4q25.
Variant type: single nucleotide variant.
Coding change: c.904A>T on transcript NM_183075.3 (MANE Select); coding-DNA position 904, A replaced by T.
Protein change: p.Ile302Phe; replaces isoleucine 302 with phenylalanine.
Molecular consequence: missense variant.
Genome position (GRCh38, 1-based): chr4:107,945,383, A>T. VCF-style: chr4-107945383-A-T. GRCh37 (hg19) VCF-style: chr4-108866539-A-T.
Other names: short protein forms I302F.
Identifiers: ClinVar variation 1997346 (VCV001997346.4), dbSNP rs2477023903, ClinGen allele CA357837486.